The following is an entry in ClinVar:

ClinVar aggregate classification (germline): Likely benign (1 of 4 stars; one submission).

Submission:

CeGaT Center for Human Genetics Tuebingen
Classification: Likely benign. Last evaluated: 2025-09-01. Review status: criteria provided, single submitter. Criteria: CeGaT Center For Human Genetics Tuebingen Variant Classification Criteria Version 2. Collection method: clinical testing. Allele origin: germline. Affected: yes. Observed: 2 variant alleles.
Comment: APOBR: BP4, BP7

NM_018690.4(APOBR):c.984C>T (p.Ala328=)

Gene: APOBR (apolipoprotein B receptor; plus strand). Cytogenetic location: 16p12.1.
Variant type: single nucleotide variant.
Coding change: c.984C>T on transcript NM_018690.4 (MANE Select); coding-DNA position 984, C replaced by T.
Protein change: p.Ala328=; no amino-acid change (alanine 328 retained).
Molecular consequence: synonymous variant.
Genome position (GRCh38, 1-based): chr16:28,496,025, C>T. VCF-style: chr16-28496025-C-T. GRCh37 (hg19) VCF-style: chr16-28507346-C-T.
Identifiers: ClinVar variation 3898071 (VCV003898071.7).